The following is an entry in ClinVar:

ClinVar aggregate classification (germline): Benign/Likely benign. Review status: criteria provided, multiple submitters, no conflicts (2 of 4 stars). 7 submissions from 7 submitters: Benign (2); Likely benign (5). Last evaluated 2026-06-01.

Conditions:
Charcot-Marie-Tooth disease axonal type 2O. Also called: Charcot-Marie-Tooth disease, axonal, type 20; CHARCOT-MARIE-TOOTH NEUROPATHY, AXONAL, TYPE 2O; CHARCOT-MARIE-TOOTH DISEASE, AXONAL, AUTOSOMAL DOMINANT, TYPE 2O; Charcot-Marie-Tooth Neuropathy Type 2O. Identifiers: Orphanet 284232, MedGen C3280220, MONDO:0013644, OMIM 614228.
Inborn genetic diseases. Identifiers: MedGen C0950123, MeSH D030342.
Charcot-Marie-Tooth disease. Also called: Charcot-Marie-Tooth Neuropathy; Charcot-Marie-Tooth Hereditary Neuropathy. Identifiers: Orphanet 166, MedGen C0007959, MONDO:0015626.
DYNC1H1-related disorder. Also called: DYNC1H1-related condition; DYNC1H1-related disorders. Identifiers: MedGen CN381529.

Allele frequency attached by ClinVar (database versions not stated): gnomAD exomes 0.00008 and 0.00019; ExAC 0.00019; 1000 Genomes Project 30x 0.00047; 1000 Genomes Project 0.00060; ESP Exome Variant Server 0.00100; gnomAD 0.00103 and 0.00112; TOPMed 0.00110.
gnomAD v4.1: 285 of 1,614,110 alleles (0.018%); highest among the groups gnomAD compares: African/African-American, 0.33%; no homozygotes.

Submissions (7):

CeGaT Center for Human Genetics Tuebingen
Classification: Likely benign. Last evaluated: 2026-06-01. Review status: criteria provided, single submitter. Criteria: CeGaT Center For Human Genetics Tuebingen Variant Classification Criteria Version 2. Collection method: clinical testing. Allele origin: germline. Affected: yes. Observed: 1 variant allele.
Comment: DYNC1H1: PP2, BS1

Labcorp Genetics (formerly Invitae), Labcorp
Classification: Likely benign for Charcot-Marie-Tooth disease axonal type 2O. Last evaluated: 2025-12-09. Review status: criteria provided, single submitter. Criteria: Invitae Variant Classification Sherloc (09022015). Collection method: clinical testing. Allele origin: germline.

PreventionGenetics, part of Exact Sciences
Classification: Likely benign for DYNC1H1-related condition. Last evaluated: 2025-03-05. Review status: criteria provided, single submitter. Criteria: ACMG Guidelines, 2015. Collection method: clinical testing. Allele origin: germline.
Comment: This variant is classified as likely benign based on ACMG/AMP sequence variant interpretation guidelines (Richards et al. 2015 PMID: 25741868, with internal and published modifications).

GeneDx
Classification: Benign. Last evaluated: 2019-05-10. Review status: criteria provided, single submitter. Criteria: GeneDx Variant Classification Process June 2021. Collection method: clinical testing. Allele origin: germline. Affected: yes.

Ambry Genetics
Classification: Likely benign for Inborn genetic diseases. Last evaluated: 2018-06-18. Review status: criteria provided, single submitter. Criteria: Ambry Variant Classification Scheme 2023. Collection method: clinical testing. Allele origin: germline.

Athena Diagnostics
Classification: Benign. Last evaluated: 2018-03-05. Review status: criteria provided, single submitter. Criteria: Athena Diagnostics Criteria. Collection method: clinical testing. Allele origin: germline.

Molecular Genetics Laboratory, London Health Sciences Centre
Classification: Likely benign for Charcot-Marie-Tooth disease. Review status: criteria provided, single submitter. Criteria: ACMG Guidelines, 2015. Collection method: clinical testing. Allele origin: germline. Affected: yes.

NM_001376.5(DYNC1H1):c.409G>A (p.Val137Ile)

Gene: DYNC1H1 (dynein cytoplasmic 1 heavy chain 1; plus strand). Cytogenetic location: 14q32.31.
Variant type: single nucleotide variant.
Coding change: c.409G>A on transcript NM_001376.5 (MANE Select); coding-DNA position 409, G replaced by A.
Protein change: p.Val137Ile; replaces valine 137 with isoleucine.
Molecular consequence: missense variant.
Genome position (GRCh38, 1-based): chr14:101,979,383, G>A. VCF-style: chr14-101979383-G-A. GRCh37 (hg19) VCF-style: chr14-102445720-G-A.
Other names: short protein forms V137I.
Identifiers: ClinVar variation 246523 (VCV000246523.21), dbSNP rs143421325, ClinGen allele CA7351524.
Genomic context (GRCh38, chr14:101,979,383, plus strand): 5'-GCATTCATTAAACGTACTCCCGTGATTGATGCAGATAAACCCGTGTCTTCTCAGCTCCGG[G>A]TCCTTACACTCAGTGAAGACTCGCCCTACGAAACTTTGCATTCTTTCATTAGCAATGCAG-3'
Protein context (NP_001367.2, residues 127-147): ADKPVSSQLR[Val137Ile]LTLSEDSPYE